The following is an entry in ClinVar:

NM_002691.4(POLD1):c.1439A>G (p.His480Arg)

Gene: POLD1 (DNA polymerase delta 1, catalytic subunit; plus strand). Cytogenetic location: 19q13.33.
Variant type: single nucleotide variant.
Coding change: c.1439A>G on transcript NM_002691.4 (MANE Select); coding-DNA position 1439, A replaced by G.
Protein change: p.His480Arg; replaces histidine 480 with arginine.
Molecular consequence: missense variant. On other transcripts: non-coding transcript variant (1).
Genome position (GRCh38, 1-based): chr19:50,406,462, A>G. VCF-style: chr19-50406462-A-G. GRCh37 (hg19) VCF-style: chr19-50909719-A-G.
Other names: c.1439A>G, p.His480Arg (NM_001256849.1, NM_001308632.1); short protein forms H480R.
Identifiers: ClinVar variation 1772658 (VCV001772658.3), dbSNP rs2513994930, ClinGen allele CA406980201.

ClinVar aggregate classification (germline): Uncertain significance. Review status: criteria provided, multiple submitters, no conflicts (2 of 4 stars). 2 submissions from 2 submitters: Uncertain significance (2). Last evaluated 2025-02-16.

Conditions:
POLD1-related polyposis and colorectal cancer syndrome (CRCS10). Also called: COLORECTAL CANCER, SUSCEPTIBILITY TO, ON CHROMOSOME 19q; Colorectal cancer 10; Colorectal cancer, susceptibility to, 10. Identifiers: Orphanet 220460, MedGen C2675481, MONDO:0012953, OMIM 612591.
Hereditary cancer-predisposing syndrome. Also called: Neoplastic Syndromes, Hereditary; Tumor predisposition; Hereditary neoplastic syndrome; Hereditary Cancer Syndrome. Identifiers: Orphanet 140162, MedGen C0027672, MeSH D009386, MONDO:0015356.

Allele frequency attached by ClinVar (database versions not stated): gnomAD exomes below 0.00001.
gnomAD v4.1: 1 of 1,599,348 alleles (0.000063%); highest among the groups gnomAD compares: Non-Finnish European, 0.000085%; no homozygotes.

Submissions (2):

Labcorp Genetics (formerly Invitae), Labcorp
Classification: Uncertain significance for POLD1-related polyposis and colorectal cancer syndrome. Last evaluated: 2025-02-16. Review status: criteria provided, single submitter. Criteria: Invitae Variant Classification Sherloc (09022015). Collection method: clinical testing. Allele origin: germline.
Comment: This sequence change replaces histidine, which is basic and polar, with arginine, which is basic and polar, at codon 480 of the POLD1 protein (p.His480Arg). This variant is not present in population databases (gnomAD no frequency). This variant has not been reported in the literature in individuals affected with POLD1-related conditions. ClinVar contains an entry for this variant (Variation ID: 1772658). Invitae Evidence Modeling of protein sequence and biophysical properties (such as structural, functional, and spatial information, amino acid conservation, physicochemical variation, residue mobility, and thermodynamic stability) has been performed for this missense variant. However, the output from this modeling did not meet the statistical confidence thresholds required to predict the impact of this variant on POLD1 protein function. In summary, the available evidence is currently insufficient to determine the role of this variant in disease. Therefore, it has been classified as a Variant of Uncertain Significance.

Ambry Genetics
Classification: Uncertain significance for Hereditary cancer-predisposing syndrome. Last evaluated: 2021-09-16. Review status: criteria provided, single submitter. Criteria: Ambry Variant Classification Scheme 2023. Collection method: clinical testing. Allele origin: germline.
Comment: The p.H480R variant (also known as c.1439A>G), located in coding exon 11 of the POLD1 gene, results from an A to G substitution at nucleotide position 1439. The histidine at codon 480 is replaced by arginine, an amino acid with highly similar properties. This amino acid position is conserved. In addition, the in silico prediction for this alteration is inconclusive. Since supporting evidence is limited at this time, the clinical significance of this alteration remains unclear.